The following is an entry in ClinVar:

NM_021964.3(ZNF148):c.144A>C (p.Gln48His)

Gene: ZNF148 (zinc finger protein 148; minus strand). Cytogenetic location: 3q21.2.
Variant type: single nucleotide variant.
Coding change: c.144A>C on transcript NM_021964.3 (MANE Select); coding-DNA position 144, A replaced by C.
Protein change: p.Gln48His; replaces glutamine 48 with histidine.
Molecular consequence: missense variant.
Genome position (GRCh38, 1-based): chr3:125,313,497, T>G on the plus strand (A>C on the coding strand, the complement: ZNF148 is on the minus strand). VCF-style: chr3-125313497-T-G. GRCh37 (hg19) VCF-style: chr3-125032341-T-G.
Other names: c.144A>C, p.Gln48His (NM_001348424.1, NM_001348425.2, NM_001348426.2 and 9 more transcripts); short protein forms Q48H.
Identifiers: ClinVar variation 4819428 (VCV004819428.1).

ClinVar aggregate classification (germline): Likely benign (1 of 4 stars; one submission).

Conditions:
Global developmental delay, absent or hypoplastic corpus callosum, and dysmorphic facies (GDACCF). Identifiers: MedGen C4310644, MONDO:0014994, OMIM 617260.

gnomAD v4.1: 11 of 1,614,176 alleles (0.00068%); highest among the groups gnomAD compares: South Asian, 0.0055%; no homozygotes.

Submission:

Centre for Medical Genetics,  Mumbai
Classification: Likely benign for Global developmental delay, absent or hypoplastic corpus callosum, and dysmorphic facies. Last evaluated: 2026-03-13. Review status: criteria provided, single submitter. Criteria: ACMG Guidelines, 2015. Collection method: provider interpretation. Allele origin: germline. Inheritance: Autosomal dominant inheritance. Affected: no. Observed: 1 variant allele, 1 homozygote.
Comment: The variant satisfies PM2 criteria; Extremely low frequency in gnomAD population databases. The variant satisfies PP2 criteria; Missense variant in a gene with low rate of benign missense mutations and for which missense mutation is a common mechanism of a disease. However, the variant satisfies BS2 criteria.

Literature cited by the submitters: PubMed 27964749.